The following is an entry in ClinVar:

NM_001134831.2(AHI1):c.1829G>A (p.Arg610Gln)

Gene: AHI1 (Abelson helper integration site 1; minus strand). Cytogenetic location: 6q23.3.
Variant type: single nucleotide variant.
Coding change: c.1829G>A on transcript NM_001134831.2 (MANE Select); coding-DNA position 1829, G replaced by A.
Protein change: p.Arg610Gln; replaces arginine 610 with glutamine.
Molecular consequence: missense variant.
Genome position (GRCh38, 1-based): chr6:135,442,665, C>T on the plus strand (G>A on the coding strand, the complement: AHI1 is on the minus strand). VCF-style: chr6-135442665-C-T. GRCh37 (hg19) VCF-style: chr6-135763803-C-T.
Other names: c.1829G>A, p.Arg610Gln (NM_001134830.2, NM_001134832.2, NM_001350503.2 and 2 more transcripts); short protein forms R610Q.
Identifiers: ClinVar variation 700488 (VCV000700488.41), dbSNP rs374009466, ClinGen allele CA4012499.
Genomic context (GRCh38, chr6:135,442,665, plus strand): 5'-CTGGCACAAGCTGCTGCTAATATTCTTCCATTGTGGGAGAAATCAAGACAAAAACATCCT[C>T]GTTCTCCTGCATTTAGTGAGAAGAGGTGTTTGTTTGGGATACGGCAAGCCTAAAAAACAT-3'
Protein context (NP_001128303.1, residues 600-620): KHLFSLNAGE[Arg610Gln]GCFCLDFSHN

ClinVar aggregate classification (germline): Conflicting classifications of pathogenicity. Review status: criteria provided, conflicting classifications (1 of 4 stars). 7 submissions from 7 submitters: Uncertain significance (1); Likely benign (2). 4 of the submissions do not count toward it. Last evaluated 2026-02-02.

Conditions:
AHI1-related disorder. Also called: AHI1-related condition.
Retinal dystrophy. Also called: Inherited retinal dystrophy. Identifiers: Orphanet 71862, MedGen C0854723, MeSH D058499, MONDO:0019118, HP:0000556.
Joubert syndrome. Also called: Familial aplasia of the vermis; JOUBERT-BOLTSHAUSER SYNDROME. Identifiers: Orphanet 475, MedGen C5979921, MONDO:0018772.

Allele frequency attached by ClinVar (database versions not stated): TOPMed 0.00015; gnomAD 0.00032; 1000 Genomes Project 30x 0.00047; 1000 Genomes Project 0.00060.
gnomAD v4.1: 134 of 1,611,254 alleles (0.0083%); highest among the groups gnomAD compares: Middle Eastern, 0.15%; no homozygotes.

Submissions (7):

Labcorp Genetics (formerly Invitae), Labcorp
Classification: Likely benign for Joubert syndrome. Last evaluated: 2026-02-02. Review status: criteria provided, single submitter. Criteria: Invitae Variant Classification Sherloc (09022015). Collection method: clinical testing. Allele origin: germline.

Blueprint Genetics
Classification: Uncertain significance. Last evaluated: 2024-11-26. Review status: criteria provided, single submitter. Criteria: ACMG Guidelines, 2015. Collection method: clinical testing. Allele origin: germline.

CeGaT Center for Human Genetics Tuebingen
Classification: Likely benign. Last evaluated: 2023-04-01. Review status: criteria provided, single submitter. Criteria: CeGaT Center For Human Genetics Tuebingen Variant Classification Criteria Version 2. Collection method: clinical testing. Allele origin: germline. Affected: yes. Observed: 2 variant alleles.
Comment: AHI1: BP4

PreventionGenetics, part of Exact Sciences
Classification: Likely benign for AHI1-related condition. Last evaluated: 2022-02-09. Review status: no assertion criteria provided. Collection method: clinical testing. Allele origin: germline. Not counted in ClinVar's aggregate classification.
Comment: This variant is classified as likely benign based on ACMG/AMP sequence variant interpretation guidelines (Richards et al. 2015 PMID: 25741868, with internal and published modifications).

Institute of Human Genetics, Univ. Regensburg, Univ. Regensburg
Classification: Uncertain significance for Retinal dystrophy. Last evaluated: 2020-01-01. Review status: no assertion criteria provided. Criteria: ACMG Guidelines, 2015. Collection method: clinical testing. Allele origin: germline. Affected: yes. Not counted in ClinVar's aggregate classification.

Clinical Genetics DNA and cytogenetics Diagnostics Lab, Erasmus MC, Erasmus Medical Center
Classification: Uncertain significance. Review status: no assertion criteria provided. Collection method: clinical testing. Allele origin: germline. Affected: yes. Study: VKGL Data-share Consensus. Not counted in ClinVar's aggregate classification.

Diagnostic Laboratory, Department of Genetics, University Medical Center Groningen
Classification: Uncertain significance. Review status: no assertion criteria provided. Collection method: clinical testing. Allele origin: germline. Affected: yes. Study: VKGL Data-share Consensus. Not counted in ClinVar's aggregate classification.